The following is an entry in ClinVar:

NM_001363066.2(CLDN5):c.576C>T (p.Pro192=)

Gene: CLDN5 (claudin 5; minus strand). Cytogenetic location: 22q11.21.
Variant type: single nucleotide variant.
Coding change: c.576C>T on transcript NM_001363066.2 (MANE Select); coding-DNA position 576, C replaced by T.
Protein change: p.Pro192=; no amino-acid change (proline 192 retained).
Molecular consequence: synonymous variant.
Genome position (GRCh38, 1-based): chr22:19,523,680, G>A on the plus strand (C>T on the coding strand, the complement: CLDN5 is on the minus strand). VCF-style: chr22-19523680-G-A. GRCh37 (hg19) VCF-style: chr22-19511203-G-A.
Other names: c.831C>T, p.Pro277= (NM_001130861.1, NM_001363067.2, NM_003277.4).
Identifiers: ClinVar variation 4281451 (VCV004281451.7).

ClinVar aggregate classification (germline): Likely benign (1 of 4 stars; one submission).

Submission:

CeGaT Center for Human Genetics Tuebingen
Classification: Likely benign. Last evaluated: 2025-09-01. Review status: criteria provided, single submitter. Criteria: CeGaT Center For Human Genetics Tuebingen Variant Classification Criteria Version 2. Collection method: clinical testing. Allele origin: germline. Affected: yes. Observed: 1 variant allele.
Comment: CLDN5: PM2:Supporting, BP4, BP7